The following is an entry in ClinVar:

ClinVar aggregate classification (germline): Uncertain significance (1 of 4 stars; one submission).

Submission:

Labcorp Genetics (formerly Invitae), Labcorp
Classification: Uncertain significance. Last evaluated: 2025-03-13. Review status: criteria provided, single submitter. Criteria: Invitae Variant Classification Sherloc (09022015). Collection method: clinical testing. Allele origin: germline.
Comment: This sequence change creates a premature translational stop signal (p.Trp264*) in the MARS2 gene. While this is not anticipated to result in nonsense mediated decay, it is expected to disrupt the last 330 amino acid(s) of the MARS2 protein. This variant is not present in population databases (gnomAD no frequency). This variant has not been reported in the literature in individuals affected with MARS2-related conditions. Experimental studies and prediction algorithms are not available or were not evaluated, and the functional significance of this variant is currently unknown. In summary, the available evidence is currently insufficient to determine the role of this variant in disease. Therefore, it has been classified as a Variant of Uncertain Significance.

NM_138395.4(MARS2):c.792G>A (p.Trp264Ter)

Gene: MARS2 (methionyl-tRNA synthetase 2, mitochondrial; plus strand). Cytogenetic location: 2q33.1.
Variant type: single nucleotide variant.
Coding change: c.792G>A on transcript NM_138395.4 (MANE Select); coding-DNA position 792, G replaced by A.
Protein change: p.Trp264Ter; replaces tryptophan 264 with a stop codon.
Molecular consequence: nonsense.
Genome position (GRCh38, 1-based): chr2:197,706,197, G>A. VCF-style: chr2-197706197-G-A. GRCh37 (hg19) VCF-style: chr2-198570921-G-A.
Other names: short protein forms W264*.
Identifiers: ClinVar variation 4711498 (VCV004711498.1).